The following is an entry in ClinVar:

NM_004863.4(SPTLC2):c.1440-5T>G

Gene: SPTLC2 (serine palmitoyltransferase long chain base subunit 2; minus strand). Cytogenetic location: 14q24.3.
Variant type: single nucleotide variant.
Coding change: c.1440-5T>G on transcript NM_004863.4 (MANE Select); 5 bases into the intron before coding-DNA position 1440, T replaced by G.
Molecular consequence: intron variant.
Genome position (GRCh38, 1-based): chr14:77,518,172, A>C on the plus strand (T>G on the coding strand, the complement: SPTLC2 is on the minus strand). VCF-style: chr14-77518172-A-C. GRCh37 (hg19) VCF-style: chr14-77984515-A-C.
Other names: p.?.
Identifiers: ClinVar variation 383823 (VCV000383823.7), dbSNP rs556451968, ClinGen allele CA7289151.

ClinVar aggregate classification (germline): Likely benign. Review status: criteria provided, multiple submitters, no conflicts (2 of 4 stars). 3 submissions from 3 submitters: Likely benign (3). Last evaluated 2025-01-06.

Conditions:
Neuropathy, hereditary sensory and autonomic, type 1C. Also called: HSAN IC; HSN IC. Identifiers: Orphanet 36386, MedGen C3150896, MONDO:0013337, OMIM 613640.

Allele frequency attached by ClinVar (database versions not stated): gnomAD 0.00001 and 0.00003; gnomAD exomes 0.00001; TOPMed 0.00001; ExAC 0.00002; 1000 Genomes Project 30x 0.00031; 1000 Genomes Project 0.00040.
gnomAD v4.1: 16 of 1,614,170 alleles (0.00099%); highest among the groups gnomAD compares: East Asian, 0.0045%; no homozygotes.

Submissions (3):

Mayo Clinic Laboratories, Mayo Clinic
Classification: Likely benign. Last evaluated: 2025-01-06. Review status: criteria provided, single submitter. Criteria: ACMG Guidelines, 2015. Collection method: clinical testing. Allele origin: germline. Observed: 1 variant allele.
Comment: BP4, BP7

Labcorp Genetics (formerly Invitae), Labcorp
Classification: Likely benign for Neuropathy, hereditary sensory and autonomic, type 1C. Last evaluated: 2024-06-21. Review status: criteria provided, single submitter. Criteria: Invitae Variant Classification Sherloc (09022015). Collection method: clinical testing. Allele origin: germline.

GeneDx
Classification: Likely benign. Last evaluated: 2016-02-23. Review status: criteria provided, single submitter. Criteria: GeneDx Variant Classification (06012015). Collection method: clinical testing. Allele origin: germline. Affected: yes.
Comment: This variant is considered likely benign or benign based on one or more of the following criteria: it is a conservative change, it occurs at a poorly conserved position in the protein, it is predicted to be benign by multiple in silico algorithms, and/or has population frequency not consistent with disease.